The following is an entry in ClinVar:

ClinVar aggregate classification (germline): Uncertain significance (1 of 4 stars; one submission).

Submission:

GeneDx
Classification: Uncertain significance. Last evaluated: 2024-05-07. Review status: criteria provided, single submitter. Criteria: GeneDx Variant Classification Process June 2021. Collection method: clinical testing. Allele origin: germline. Affected: yes.
Comment: Not observed at significant frequency in large population cohorts (gnomAD); In silico analysis supports that this missense variant has a deleterious effect on protein structure/function; Has not been previously published as pathogenic or benign to our knowledge

NM_001170629.2(CHD8):c.3015T>A (p.Phe1005Leu)

Gene: CHD8 (chromodomain helicase DNA binding protein 8; minus strand). Cytogenetic location: 14q11.2.
Variant type: single nucleotide variant.
Coding change: c.3015T>A on transcript NM_001170629.2 (MANE Select); coding-DNA position 3015, T replaced by A.
Protein change: p.Phe1005Leu; replaces phenylalanine 1005 with leucine.
Molecular consequence: missense variant.
Genome position (GRCh38, 1-based): chr14:21,405,757, A>T on the plus strand (T>A on the coding strand, the complement: CHD8 is on the minus strand). VCF-style: chr14-21405757-A-T. GRCh37 (hg19) VCF-style: chr14-21873916-A-T.
Other names: c.2178T>A, p.Phe726Leu (NM_020920.4); short protein forms F1005L, F726L.
Identifiers: ClinVar variation 3375643 (VCV003375643.1).
Genomic context (GRCh38, chr14:21,405,757, plus strand): 5'-TACCTCATCAGATAGATTTCCTACCTGTTCCTCTGTCTTGAGATCCCCAAAGTCCTTGAG[A>T]AACTCTGATTCTGAGGGAAATTGTGACGGTTCCAAGAAATGAAGCAAGCTAAACAGTTCT-3'
Protein context (NP_001164100.1, residues 995-1015): EPSQFPSESE[Phe1005Leu]LKDFGDLKTE